The following is an entry in ClinVar:

NM_015973.5(GAL):c.13A>G (p.Ser5Gly)

Gene: GAL (galanin and GMAP prepropeptide; plus strand). Cytogenetic location: 11q13.2.
Variant type: single nucleotide variant.
Coding change: c.13A>G on transcript NM_015973.5 (MANE Select); coding-DNA position 13, A replaced by G.
Protein change: p.Ser5Gly; replaces serine 5 with glycine.
Molecular consequence: missense variant.
Genome position (GRCh38, 1-based): chr11:68,684,936, A>G. VCF-style: chr11-68684936-A-G. GRCh37 (hg19) VCF-style: chr11-68452404-A-G.
Other names: c.13A>G (NM_015973.3); short protein forms S5G.
Identifiers: ClinVar variation 1037569 (VCV001037569.9), dbSNP rs749996027, ClinGen allele CA6151397.

ClinVar aggregate classification (germline): Uncertain significance. Review status: criteria provided, multiple submitters, no conflicts (2 of 4 stars). 2 submissions from 2 submitters: Uncertain significance (2). Last evaluated 2024-09-11.

Conditions:
Familial temporal lobe epilepsy 8. Identifiers: Orphanet 101046, MedGen C4225318, MONDO:0014650, OMIM 616461.

Allele frequency attached by ClinVar (database versions not stated): gnomAD exomes below 0.00001 and 0.00001; gnomAD 0.00001; ExAC 0.00002; TOPMed 0.00002.
gnomAD v4.1: 8 of 1,607,362 alleles (0.0005%); highest among the groups gnomAD compares: Non-Finnish European, 0.00051%; no homozygotes.

Submissions (2):

Ambry Genetics
Classification: Uncertain significance. Last evaluated: 2024-09-11. Review status: criteria provided, single submitter. Criteria: Ambry Variant Classification Scheme 2023. Collection method: clinical testing. Allele origin: germline.

Labcorp Genetics (formerly Invitae), Labcorp
Classification: Uncertain significance for Familial temporal lobe epilepsy 8. Last evaluated: 2022-02-08. Review status: criteria provided, single submitter. Criteria: Invitae Variant Classification Sherloc (09022015). Collection method: clinical testing. Allele origin: germline.
Comment: This sequence change replaces serine, which is neutral and polar, with glycine, which is neutral and non-polar, at codon 5 of the GAL protein (p.Ser5Gly). The frequency data for this variant in the population databases is considered unreliable, as metrics indicate poor data quality at this position in the gnomAD database. This variant has not been reported in the literature in individuals affected with GAL-related conditions. ClinVar contains an entry for this variant (Variation ID: 1037569). Algorithms developed to predict the effect of missense changes on protein structure and function output the following: SIFT: "Not Available"; PolyPhen-2: "Possibly Damaging"; Align-GVGD: "Not Available". The glycine amino acid residue is found in multiple mammalian species, which suggests that this missense change does not adversely affect protein function. In summary, the available evidence is currently insufficient to determine the role of this variant in disease. Therefore, it has been classified as a Variant of Uncertain Significance.